The following is an entry in ClinVar:

ClinVar aggregate classification (germline): Uncertain significance (1 of 4 stars; one submission).

Conditions:
Perlman syndrome (PRLMNS). Identifiers: Orphanet 2849, MedGen C0796113, MONDO:0009965, OMIM 267000.

Submission:

Labcorp Genetics (formerly Invitae), Labcorp
Classification: Uncertain significance for Perlman syndrome. Last evaluated: 2019-07-18. Review status: criteria provided, single submitter. Criteria: Invitae Variant Classification Sherloc (09022015). Collection method: clinical testing. Allele origin: germline.
Comment: This sequence change replaces glutamic acid with glycine at codon 167 of the DIS3L2 protein (p.Glu167Gly). The glutamic acid residue is moderately conserved and there is a moderate physicochemical difference between glutamic acid and glycine. In summary, the available evidence is currently insufficient to determine the role of this variant in disease. Therefore, it has been classified as a Variant of Uncertain Significance. Algorithms developed to predict the effect of missense changes on protein structure and function are either unavailable or do not agree on the potential impact of this missense change (SIFT: "Tolerated"; PolyPhen-2: "Benign"; Align-GVGD: "Class C0"). This variant has not been reported in the literature in individuals with DIS3L2-related conditions. This variant is not present in population databases (ExAC no frequency).

NM_152383.5(DIS3L2):c.500A>G (p.Glu167Gly)

Gene: DIS3L2 (DIS3 like 3'-5' exoribonuclease 2; plus strand). Cytogenetic location: 2q37.1.
Variant type: single nucleotide variant.
Coding change: c.500A>G on transcript NM_152383.5 (MANE Select); coding-DNA position 500, A replaced by G.
Protein change: p.Glu167Gly; replaces glutamic acid 167 with glycine.
Molecular consequence: missense variant. On other transcripts: non-coding transcript variant (2).
Genome position (GRCh38, 1-based): chr2:232,087,620, A>G. VCF-style: chr2-232087620-A-G. GRCh37 (hg19) VCF-style: chr2-232952330-A-G.
Other names: c.500A>G, p.Glu167Gly (NM_001257281.2, NM_001257282.2); short protein forms E167G.
Identifiers: ClinVar variation 956692 (VCV000956692.9), dbSNP rs1696703347, ClinGen allele CA351155112.